The following is an entry in ClinVar:

ClinVar aggregate classification (germline): Benign (1 of 4 stars; one submission).

Allele frequency attached by ClinVar (database versions not stated): 1000 Genomes Project 0.31894; 1000 Genomes Project 30x 0.32737; TOPMed 0.49857; gnomAD 0.52335.
gnomAD v4.1: 58,031 of 110,631 alleles (52%); highest among the groups gnomAD compares: Non-Finnish European, 73%; 13,388 homozygotes.

Submission:

GeneDx
Classification: Benign. Last evaluated: 2018-06-14. Review status: criteria provided, single submitter. Criteria: GeneDx Variant Classification (06012015). Collection method: clinical testing. Allele origin: germline. Affected: yes.
Comment: This variant is considered likely benign or benign based on one or more of the following criteria: it is a conservative change, it occurs at a poorly conserved position in the protein, it is predicted to be benign by multiple in silico algorithms, and/or has population frequency not consistent with disease.

NM_006517.5(SLC16A2):c.431-323T>C

Gene: SLC16A2 (solute carrier family 16 member 2; plus strand). Cytogenetic location: Xq13.2.
Variant type: single nucleotide variant.
Coding change: c.431-323T>C on transcript NM_006517.5 (MANE Select); 323 bases into the intron before coding-DNA position 431, T replaced by C.
Molecular consequence: intron variant.
Genome position (GRCh38, 1-based): chrX:74,520,667, T>C. VCF-style: chrX-74520667-T-C. GRCh37 (hg19) VCF-style: chrX-73740502-T-C.
Identifiers: ClinVar variation 667467 (VCV000667467.1), dbSNP rs5937842, ClinGen allele CA15008623.